The following is an entry in ClinVar:

ClinVar aggregate classification (germline): Pathogenic (1 of 4 stars; one submission).

Conditions:
Inborn genetic diseases. Identifiers: MedGen C0950123, MeSH D030342.

Submission:

Ambry Genetics
Classification: Pathogenic for Inborn genetic diseases. Last evaluated: 2026-06-29. Review status: criteria provided, single submitter. Criteria: Ambry Variant Classification Scheme 2023. Collection method: clinical testing. Allele origin: germline.
Comment: The c.1780dupG (p.E594Gfs*206) alteration, located in exon 13 (coding exon 13) of the GRIN1 gene, consists of a duplication of G at position 1780, causing a translational frameshift with a predicted alternate stop codon after 206 amino acids. This variant is expected to result in loss of function by premature protein truncation or nonsense-mediated mRNA decay. for autosomal recessive GRIN1-related neurodevelopmental disorder; however, its clinical significance for autosomal dominant GRIN1-related neurodevelopmental disorder is uncertain. This variant was not reported in population-based cohorts in the Genome Aggregation Database (gnomAD). Based on the available evidence, this alteration is classified as pathogenic.

NM_007327.4(GRIN1):c.1780dup (p.Glu594fs)

Gene: GRIN1 (glutamate ionotropic receptor NMDA type subunit 1; plus strand). Cytogenetic location: 9q34.3.
Variant type: Duplication.
Coding change: c.1780dup on transcript NM_007327.4 (MANE Select); coding-DNA position 1780, one base duplicated (G; older notation c.1780dupG).
Protein change: p.Glu594fs; shifts the reading frame from glutamic acid 594.
Molecular consequence: frameshift variant.
Genome position (GRCh38, 1-based): chr9:137,162,432, G duplicated. VCF-style (leftmost placement, unchanged base first): chr9-137162431-C-CG. GRCh37 (hg19) VCF-style: chr9-140056883-C-CG.
Other names: c.1780dup, p.Glu594fs (NM_000832.7, NM_021569.4); c.1843dup, p.Glu615fs (NM_001185090.2, NM_001185091.2, NM_001437330.1 and 1 more transcripts); short protein forms E594fs, E615fs.
Identifiers: ClinVar variation 5022530 (VCV005022530.1).